The following is an entry in ClinVar:

NM_001009944.3(PKD1):c.6090del (p.Val2031fs)

Gene: PKD1 (polycystin 1, transient receptor potential channel interacting; minus strand). Cytogenetic location: 16p13.3.
Variant type: Deletion.
Coding change: c.6090del on transcript NM_001009944.3 (MANE Select); coding-DNA position 6090, one base deleted (C; older notation c.6090delC).
Protein change: p.Val2031fs; shifts the reading frame from valine 2031.
Molecular consequence: frameshift variant.
Genome position (GRCh38, 1-based): chr16:2,109,077, G deleted on the plus strand (C on the coding strand, the reverse complement: PKD1 is on the minus strand); the first of 3 consecutive G bases (chr16:2,109,077-2,109,079); deleting any one gives the same sequence. VCF-style (leftmost placement, unchanged base first): chr16-2109076-CG-C. GRCh37 (hg19) VCF-style: chr16-2159077-CG-C.
Other names: c.6090del, p.Val2031fs (NM_000296.4); c.6090delC (NM_000296.3); short protein forms V2031fs.
Identifiers: ClinVar variation 3335868 (VCV003335868.4).

ClinVar aggregate classification (germline): Pathogenic. Review status: criteria provided, multiple submitters, no conflicts (2 of 4 stars). 3 submissions from 3 submitters: Pathogenic (3). Last evaluated 2026-07-22.

Conditions:
Inborn genetic diseases. Identifiers: MedGen C0950123, MeSH D030342.
Polycystic kidney disease, adult type (PKD1). Also called: POLYCYSTIC KIDNEY DISEASE 1 WITH OR WITHOUT POLYCYSTIC LIVER DISEASE; Polycystic Kidney Disease 1, Autosomal Dominant; Polycystic kidney disease 1; Polycystic kidney disease 1, severe; POLYCYSTIC KIDNEY DISEASE, ADULT, TYPE I; Polycystic Kidney, Autosomal Dominant. Identifiers: MedGen C3149841, MONDO:0008263, OMIM 173900.

Submissions (3):

Ambry Genetics
Classification: Pathogenic for Inborn genetic diseases. Last evaluated: 2026-07-22. Review status: criteria provided, single submitter. Criteria: Ambry Variant Classification Scheme 2023. Collection method: clinical testing. Allele origin: germline.
Comment: The c.6090delC (p.V2031Wfs*85) alteration, located in exon 15 (coding exon 15) of the PKD1 gene, consists of a deletion of one nucleotide at position 6090, causing a translational frameshift with a predicted alternate stop codon after 85 amino acids. This variant is expected to result in loss of function by premature protein truncation or nonsense-mediated mRNA decay. This variant was not reported in population-based cohorts in the Genome Aggregation Database (gnomAD). This variant was reported in individual(s) with features consistent with PKD1-related polycystic kidney disease; in at least one individual, it was determined to be de novo (Audr&eacute;zet, 2012; Obeidova, 2020; Lindemann, 2023). Based on the available evidence, this alteration is classified as pathogenic.

Fulgent Genetics
Classification: Pathogenic for Polycystic kidney disease, adult type. Last evaluated: 2024-02-05. Review status: criteria provided, single submitter. Criteria: ACMG Guidelines, 2015. Collection method: clinical testing. Allele origin: germline.

Juno Genomics, Hangzhou Juno Genomics, Inc
Classification: Pathogenic for Polycystic kidney disease, adult type. Review status: criteria provided, single submitter. Criteria: ACMG Guidelines, 2015. Collection method: clinical testing. Allele origin: germline. Affected: yes.
Comment: Null variant in a gene where loss of function (LOF) is a known mechanism of disease.;Absent from controls (or at extremely low frequency if recessive) in Genome Aggregation Database, Exome Sequencing Project, 1000 Genomes Project, or Exome Aggregation Consortium.;The prevalence of the variant in affected individuals is significantly increased compared to the prevalence in controls.;Assumed de novo, but without confirmation of paternity and maternity.;Patient's phenotype or family history is highly specific for a disease with a single genetic etiology.

Literature cited by the submitters: PubMed 22508176 (cited by Ambry Genetics); PubMed 32574212 (cited by Ambry Genetics); PubMed 36938073 (cited by Ambry Genetics).